The following is an entry in ClinVar:

NM_014496.5(RPS6KA6):c.261T>G (p.Val87=)

Gene: RPS6KA6 (ribosomal protein S6 kinase A6; minus strand). Cytogenetic location: Xq21.1.
Variant type: single nucleotide variant.
Coding change: c.261T>G on transcript NM_014496.5 (MANE Select); coding-DNA position 261, T replaced by G.
Protein change: p.Val87=; no amino-acid change (valine 87 retained).
Molecular consequence: synonymous variant.
Genome position (GRCh38, 1-based): chrX:84,148,121, A>C on the plus strand (T>G on the coding strand, the complement: RPS6KA6 is on the minus strand). VCF-style: chrX-84148121-A-C. GRCh37 (hg19) VCF-style: chrX-83403129-A-C.
Other names: c.261T>G, p.Val87= (NM_001330512.1).
Identifiers: ClinVar variation 2660997 (VCV002660997.24), dbSNP rs779321218, ClinGen allele CA10463535.
Genomic context (GRCh38, chrX:84,148,121, plus strand): 5'-TAACACCTTCATTGCATAGAGCTGCCCAGCATCAGGACCGGTCTTCTTTCTAACAAGAAA[A>C]ACCTAATAGAAAATTGAACAAAAAAAAAAAGGAAAATTCACATTTCTAGTCATTCTTGCT-3'
Protein context (NP_055311.1, residues 77-97): KVLGQGSFGK[Val87=]FLVRKKTGPD

ClinVar aggregate classification (germline): Likely benign (1 of 4 stars; one submission).

Allele frequency attached by ClinVar (database versions not stated): ExAC 0.00002; gnomAD exomes 0.00005.
gnomAD v4.1: 49 of 1,145,654 alleles (0.0043%); highest among the groups gnomAD compares: Non-Finnish European, 0.0058%; no homozygotes.

Submission:

CeGaT Center for Human Genetics Tuebingen
Classification: Likely benign. Last evaluated: 2022-10-01. Review status: criteria provided, single submitter. Criteria: CeGaT Center For Human Genetics Tuebingen Variant Classification Criteria Version 2. Collection method: clinical testing. Allele origin: germline. Affected: yes. Observed: 1 variant allele.
Comment: RPS6KA6: BP4, BP7